The following is an entry in ClinVar:

NM_005670.4(EPM2A):c.719-4G>A

Gene: EPM2A (EPM2A glucan phosphatase, laforin; minus strand). Cytogenetic location: 6q24.3.
Variant type: single nucleotide variant.
Coding change: c.719-4G>A on transcript NM_005670.4 (MANE Select); 4 bases into the intron before coding-DNA position 719, G replaced by A.
Molecular consequence: intron variant.
Genome position (GRCh38, 1-based): chr6:145,627,697, C>T on the plus strand (G>A on the coding strand, the complement: EPM2A is on the minus strand). VCF-style: chr6-145627697-C-T. GRCh37 (hg19) VCF-style: chr6-145948833-C-T.
Other names: c.305-4G>A (NM_001360064.2, NM_001368131.1, NM_001360071.2); c.477-4G>A (NM_001360057.2); c.719-4G>A (NM_001018041.2); c.257-4G>A (NM_001368129.2, NM_001368132.1).
Identifiers: ClinVar variation 129006 (VCV000129006.28), dbSNP rs145030227, ClinGen allele CA232476.

ClinVar aggregate classification (germline): Benign/Likely benign. Review status: criteria provided, multiple submitters, no conflicts (2 of 4 stars). 9 submissions from 9 submitters: Benign (2); Likely benign (5). 2 of the submissions do not count toward it. Last evaluated 2026-01-12.

Conditions:
Progressive myoclonic epilepsy. Also called: Myoclonic Epilepsies, Progressive; Progressive myoclonus epilepsy; Familial progressive myoclonic epilepsy; Myoclonus epilepsy. Identifiers: Orphanet 308, Orphanet 98261, MedGen C0751778, MONDO:0020074.
Inborn genetic diseases. Identifiers: MedGen C0950123, MeSH D030342.

Allele frequency attached by ClinVar (database versions not stated): gnomAD exomes 0.00041; ExAC 0.00056; TOPMed 0.00165; gnomAD 0.00191; 1000 Genomes Project 0.00200; 1000 Genomes Project 30x 0.00203; ESP Exome Variant Server 0.00208.
gnomAD v4.1: 529 of 1,613,724 alleles (0.033%); highest among the groups gnomAD compares: African/African-American, 0.63%; 3 homozygotes.

Submissions (9):

Labcorp Genetics (formerly Invitae), Labcorp
Classification: Benign for Progressive myoclonic epilepsy. Last evaluated: 2026-01-12. Review status: criteria provided, single submitter. Criteria: Invitae Variant Classification Sherloc (09022015). Collection method: clinical testing. Allele origin: germline.

Blueprint Genetics
Classification: Likely benign. Last evaluated: 2024-10-22. Review status: criteria provided, single submitter. Criteria: ACMG Guidelines, 2015. Collection method: clinical testing. Allele origin: germline.

Ambry Genetics
Classification: Likely benign for Inborn genetic diseases. Last evaluated: 2018-06-13. Review status: criteria provided, single submitter. Criteria: Ambry Variant Classification Scheme 2023. Collection method: clinical testing. Allele origin: germline.

Eurofins Ntd Llc (ga)
Classification: Likely benign. Last evaluated: 2017-09-21. Review status: criteria provided, single submitter. Criteria: EGL Classification Definitions 2015. Collection method: clinical testing. Allele origin: germline. Observed: 2 variant alleles, 2 heterozygotes.

GeneDx
Classification: Benign. Last evaluated: 2014-02-11. Review status: criteria provided, single submitter. Criteria: GeneDx Variant Classification (06012015). Collection method: clinical testing. Allele origin: germline. Affected: yes.
Comment: This variant is considered likely benign or benign based on one or more of the following criteria: it is a conservative change, it occurs at a poorly conserved position in the protein, it is predicted to be benign by multiple in silico algorithms, and/or has population frequency not consistent with disease.

Genetic Services Laboratory, University of Chicago
Classification: Likely benign for AllHighlyPenetrant. Last evaluated: 2013-08-27. Review status: criteria provided, single submitter. Criteria: ACMG Guidelines, 2007. Collection method: clinical testing. Allele origin: germline. Inheritance: Autosomal recessive inheritance.

Breakthrough Genomics
Classification: Likely benign. Review status: criteria provided, single submitter. Criteria: ACMG Guidelines, 2015. Collection method: not provided. Allele origin: germline. Inheritance: Autosomal recessive inheritance. Affected: yes.

Clinical Genetics DNA and cytogenetics Diagnostics Lab, Erasmus MC, Erasmus Medical Center
Classification: Likely benign. Review status: no assertion criteria provided. Collection method: clinical testing. Allele origin: germline. Affected: yes. Study: VKGL Data-share Consensus. Not counted in ClinVar's aggregate classification.

Genome Diagnostics Laboratory, University Medical Center Utrecht
Classification: Likely benign. Review status: no assertion criteria provided. Collection method: clinical testing. Allele origin: germline. Affected: yes. Study: VKGL Data-share Consensus. Not counted in ClinVar's aggregate classification.